The following is an entry in ClinVar:

NM_000179.3(MSH6):c.1201G>C (p.Asp401His)

Gene: MSH6 (mutS homolog 6; plus strand). Cytogenetic location: 2p16.3.
Variant type: single nucleotide variant.
Coding change: c.1201G>C on transcript NM_000179.3 (MANE Select); coding-DNA position 1201, G replaced by C.
Protein change: p.Asp401His; replaces aspartic acid 401 with histidine.
Molecular consequence: missense variant.
Genome position (GRCh38, 1-based): chr2:47,799,184, G>C. VCF-style: chr2-47799184-G-C. GRCh37 (hg19) VCF-style: chr2-48026323-G-C.
Other names: c.811G>C, p.Asp271His (NM_001281492.2); c.295G>C, p.Asp99His (NM_001281493.2, NM_001281494.2); short protein forms D271H, D401H, D99H.
Identifiers: ClinVar variation 943893 (VCV000943893.10), dbSNP rs1669308138, ClinGen allele CA346743419.

ClinVar aggregate classification (germline): Uncertain significance (1 of 4 stars; one submission).

Conditions:
Hereditary nonpolyposis colorectal neoplasms. Identifiers: MedGen C0009405, MeSH D003123.

Submission:

Labcorp Genetics (formerly Invitae), Labcorp
Classification: Uncertain significance for Hereditary nonpolyposis colorectal neoplasms. Last evaluated: 2019-10-07. Review status: criteria provided, single submitter. Criteria: Invitae Variant Classification Sherloc (09022015). Collection method: clinical testing. Allele origin: germline.
Comment: This sequence change replaces aspartic acid with histidine at codon 401 of the MSH6 protein (p.Asp401His). The aspartic acid residue is moderately conserved and there is a moderate physicochemical difference between aspartic acid and histidine. This variant is not present in population databases (ExAC no frequency). This variant has not been reported in the literature in individuals with MSH6-related conditions. Algorithms developed to predict the effect of missense changes on protein structure and function are either unavailable or do not agree on the potential impact of this missense change (SIFT: "Tolerated"; PolyPhen-2: "Possibly Damaging"; Align-GVGD: "Class C0"). In summary, the available evidence is currently insufficient to determine the role of this variant in disease. Therefore, it has been classified as a Variant of Uncertain Significance.